The following is an entry in ClinVar:

NM_014244.5(ADAMTS2):c.71C>T (p.Pro24Leu)

Gene: ADAMTS2 (ADAM metallopeptidase with thrombospondin type 1 motif 2; minus strand). Cytogenetic location: 5q35.3.
Variant type: single nucleotide variant.
Coding change: c.71C>T on transcript NM_014244.5 (MANE Select); coding-DNA position 71, C replaced by T.
Protein change: p.Pro24Leu; replaces proline 24 with leucine.
Molecular consequence: missense variant.
Genome position (GRCh38, 1-based): chr5:179,345,258, G>A on the plus strand (C>T on the coding strand, the complement: ADAMTS2 is on the minus strand). VCF-style: chr5-179345258-G-A. GRCh37 (hg19) VCF-style: chr5-178772259-G-A.
Other names: c.71C>T, p.Pro24Leu (NM_021599.4); short protein forms P24L.
Identifiers: ClinVar variation 625882 (VCV000625882.12), dbSNP rs193247334, ClinGen allele CA133086919.

ClinVar aggregate classification (germline): Conflicting classifications of pathogenicity. Review status: criteria provided, conflicting classifications (1 of 4 stars). 3 submissions from 3 submitters: Uncertain significance (2); Benign (1). Last evaluated 2026-04-21.

Conditions:
Ehlers-Danlos syndrome, dermatosparaxis type. Also called: Ehlers-Danlos syndrome, type VII, autosomal recessive; Dermatosparaxis; EDS VIIC. Identifiers: Orphanet 1901, MedGen C2700425, MONDO:0009161, OMIM 225410.

Allele frequency attached by ClinVar (database versions not stated): gnomAD exomes 0.00001; gnomAD 0.00002.
gnomAD v4.1: 12 of 1,136,326 alleles (0.0011%); highest among the groups gnomAD compares: East Asian, 0.029%; no homozygotes.

Submissions (3):

Women's Health and Genetics/Laboratory Corporation of America, LabCorp
Classification: Uncertain significance. Last evaluated: 2026-04-21. Review status: criteria provided, single submitter. Criteria: LabCorp Variant Classification Summary - May 2015. Collection method: clinical testing. Allele origin: germline.
Comment: Variant summary: ADAMTS2 c.71C>T (p.Pro24Leu) results in a non-conservative amino acid change in the encoded protein sequence. Algorithms developed to predict the effect of missense changes on protein structure and function are either unavailable or do not agree on the potential impact of this missense change. The frequency data for this variant in gnomAD is considered unreliable, as metrics indicate poor data quality at this position. To our knowledge, no occurrence of c.71C>T in individuals affected with ADAMTS2-related conditions and no experimental evidence demonstrating its impact on protein function have been reported. ClinVar contains an entry for this variant (Variation ID: 625882). Based on the evidence outlined above, the variant was classified as uncertain significance.

Labcorp Genetics (formerly Invitae), Labcorp
Classification: Benign for Ehlers-Danlos syndrome, dermatosparaxis type. Last evaluated: 2025-12-01. Review status: criteria provided, single submitter. Criteria: Invitae Variant Classification Sherloc (09022015). Collection method: clinical testing. Allele origin: germline.

Center for Genomics, Ann and Robert H. Lurie Children's Hospital of Chicago
Classification: Uncertain significance for Ehlers-Danlos syndrome, dermatosparaxis type. Last evaluated: 2021-03-30. Review status: criteria provided, single submitter. Criteria: ACMG Guidelines, 2015. Collection method: clinical testing. Allele origin: germline.
Comment: ADAMTS2 NM_014244.4 exon 1 p.Pro24Leu (c.71C>T): This variant has not been reported in the literature and is not present in large control databases. Evolutionary conservation and computational predictive tools for this variant are limited or unavailable. In summary, data on this variant is insufficient for disease classification. Therefore, the clinical significance of this variant is uncertain.